The following is an entry in ClinVar:

NM_001283009.2(RTEL1):c.2157C>G (p.Asp719Glu)

Genes: RTEL1 (regulator of telomere elongation helicase 1; plus strand), RTEL1-TNFRSF6B (RTEL1-TNFRSF6B readthrough (NMD candidate); plus strand). Cytogenetic location: 20q13.33.
Variant type: single nucleotide variant.
Coding change: c.2157C>G on transcript NM_001283009.2 (MANE Select); coding-DNA position 2157, C replaced by G.
Protein change: p.Asp719Glu; replaces aspartic acid 719 with glutamic acid.
Molecular consequence: missense variant. On other transcripts: non-coding transcript variant (1).
Genome position (GRCh38, 1-based): chr20:63,690,102, C>G. VCF-style: chr20-63690102-C-G. GRCh37 (hg19) VCF-style: chr20-62321455-C-G.
Other names: c.1488C>G, p.Asp496Glu (NM_001283010.1); c.2157C>G, p.Asp719Glu (NM_016434.4); c.2229C>G, p.Asp743Glu (NM_032957.5); short protein forms D496E, D719E, D743E.
Identifiers: ClinVar variation 4157650 (VCV004157650.1).
Genomic context (GRCh38, chr20:63,690,102, plus strand): 5'-TGAAGCGGCTGTGGGCAGGGCAGCAGGGCTATGGCCACCCCCCAGGTTCGCCTTTGCCGA[C>G]GCAAGAGCCCAACTGCCCTCCTGGGTGCGTCCCCACGTCAGGGTGTATGACAACTTTGGC-3'
Protein context (NP_001269938.1, residues 709-729): FLCDHRFAFA[Asp719Glu]ARAQLPSWVR

ClinVar aggregate classification (germline): Uncertain significance (1 of 4 stars; one submission).

Conditions:
Inborn genetic diseases. Identifiers: MedGen C0950123, MeSH D030342.

Submission:

Ambry Genetics
Classification: Uncertain significance for Inborn genetic diseases. Last evaluated: 2025-08-09. Review status: criteria provided, single submitter. Criteria: Ambry Variant Classification Scheme 2023. Collection method: clinical testing. Allele origin: germline.
Comment: The p.D719E variant (also known as c.2157C>G), located in coding exon 24 of the RTEL1 gene, results from a C to G substitution at nucleotide position 2157. The aspartic acid at codon 719 is replaced by glutamic acid, an amino acid with highly similar properties. This amino acid position is conserved. In addition, this alteration is predicted to be tolerated by in silico analysis. Based on the available evidence, the clinical significance of this variant remains unclear.